The following is an entry in ClinVar:

NM_015450.3(POT1):c.597A>C (p.Gln199His)

Gene: POT1 (protection of telomeres 1; minus strand). Cytogenetic location: 7q31.33.
Variant type: single nucleotide variant.
Coding change: c.597A>C on transcript NM_015450.3 (MANE Select); coding-DNA position 597, A replaced by C.
Protein change: p.Gln199His; replaces glutamine 199 with histidine.
Molecular consequence: missense variant. On other transcripts: non-coding transcript variant (3).
Genome position (GRCh38, 1-based): chr7:124,859,062, T>G on the plus strand (A>C on the coding strand, the complement: POT1 is on the minus strand). VCF-style: chr7-124859062-T-G. GRCh37 (hg19) VCF-style: chr7-124499116-T-G.
Other names: c.204A>C, p.Gln68His (NM_001042594.2); short protein forms Q199H, Q68H.
Identifiers: ClinVar variation 2682051 (VCV002682051.2), dbSNP rs2485463817, ClinGen allele CA369056621.

ClinVar aggregate classification (germline): Uncertain significance. Review status: criteria provided, multiple submitters, no conflicts (2 of 4 stars). 2 submissions from 2 submitters: Uncertain significance (2). Last evaluated 2024-06-29.

Conditions:
Hereditary cancer-predisposing syndrome. Also called: Neoplastic Syndromes, Hereditary; Hereditary neoplastic syndrome; Tumor predisposition; Hereditary Cancer Syndrome. Identifiers: Orphanet 140162, MedGen C0027672, MeSH D009386, MONDO:0015356.

Submissions (2):

Ambry Genetics
Classification: Uncertain significance for Hereditary cancer-predisposing syndrome. Last evaluated: 2024-06-29. Review status: criteria provided, single submitter. Criteria: Ambry Variant Classification Scheme 2023. Collection method: clinical testing. Allele origin: germline.
Comment: The p.Q199H variant (also known as c.597A>C), located in coding exon 5 of the POT1 gene, results from an A to C substitution at nucleotide position 597. The glutamine at codon 199 is replaced by histidine, an amino acid with highly similar properties. This amino acid position is conserved. In addition, this alteration is predicted to be tolerated by in silico analysis. Based on the available evidence, the clinical significance of this variant remains unclear.

Quest Diagnostics Nichols Institute San Juan Capistrano
Classification: Uncertain significance. Last evaluated: 2023-04-14. Review status: criteria provided, single submitter. Criteria: Quest Diagnostics criteria. Collection method: clinical testing. Allele origin: unknown.
Comment: This variant has not been reported in the published literature. It also has not been reported in large, multi-ethnic general populations. Analysis of this variant using bioinformatics tools for the prediction of the effect of amino acid changes on protein structure and function yielded predictions that this variant is benign. Based on the available information, we are unable to determine the clinical significance of this variant.